The following is an entry in ClinVar:

NM_014141.6(CNTNAP2):c.1801G>A (p.Ala601Thr)

Gene: CNTNAP2 (contactin associated protein 2; plus strand). Cytogenetic location: 7q35.
Variant type: single nucleotide variant.
Coding change: c.1801G>A on transcript NM_014141.6 (MANE Select); coding-DNA position 1801, G replaced by A.
Protein change: p.Ala601Thr; replaces alanine 601 with threonine.
Molecular consequence: missense variant.
Genome position (GRCh38, 1-based): chr7:147,562,161, G>A. VCF-style: chr7-147562161-G-A. GRCh37 (hg19) VCF-style: chr7-147259253-G-A.
Other names: short protein forms A601T.
Identifiers: ClinVar variation 2154017 (VCV002154017.1), dbSNP rs1430942248, ClinGen allele CA369926555.

ClinVar aggregate classification (germline): Uncertain significance (1 of 4 stars; one submission).

Conditions:
Cortical dysplasia-focal epilepsy syndrome (PTHSL1). Also called: Pitt-Hopkins-like syndrome 1. Identifiers: Orphanet 163681, Orphanet 221150, MedGen C2750246, MONDO:0012400, OMIM 610042.

Allele frequency attached by ClinVar (database versions not stated): gnomAD exomes below 0.00001; TOPMed below 0.00001.
gnomAD v4.1: 1 of 1,613,994 alleles (0.000062%); highest among the groups gnomAD compares: African/African-American, 0.0013%; no homozygotes.

Submission:

Labcorp Genetics (formerly Invitae), Labcorp
Classification: Uncertain significance for Cortical dysplasia-focal epilepsy syndrome. Last evaluated: 2022-06-04. Review status: criteria provided, single submitter. Criteria: Invitae Variant Classification Sherloc (09022015). Collection method: clinical testing. Allele origin: germline.
Comment: This sequence change replaces alanine, which is neutral and non-polar, with threonine, which is neutral and polar, at codon 601 of the CNTNAP2 protein (p.Ala601Thr). This variant is not present in population databases (gnomAD no frequency). This variant has not been reported in the literature in individuals affected with CNTNAP2-related conditions. Algorithms developed to predict the effect of missense changes on protein structure and function are either unavailable or do not agree on the potential impact of this missense change (SIFT: "Tolerated"; PolyPhen-2: "Possibly Damaging"; Align-GVGD: "Class C0"). In summary, the available evidence is currently insufficient to determine the role of this variant in disease. Therefore, it has been classified as a Variant of Uncertain Significance.